The following is an entry in ClinVar:

ClinVar aggregate classification (germline): Uncertain significance (1 of 4 stars; one submission).

Conditions:
SLC35A2-congenital disorder of glycosylation. Also called: DEVELOPMENTAL AND EPILEPTIC ENCEPHALOPATHY 22; CONGENITAL DISORDER OF GLYCOSYLATION, TYPE IIm; CDG IIm; CONGENITAL DISORDER OF GLYCOSYLATION, TYPE IIm, SOMATIC MOSAIC; EPILEPTIC ENCEPHALOPATHY, EARLY INFANTILE, 22; SLC35A2-CDG. Identifiers: Orphanet 356961, MedGen C3806688, MONDO:0010478, OMIM 300896.

Submission:

Institute of Human Genetics, University of Leipzig Medical Center
Classification: Uncertain significance for SLC35A2-congenital disorder of glycosylation. Last evaluated: 2024-07-30. Review status: criteria provided, single submitter. Criteria: ACMG Guidelines, 2015. Collection method: clinical testing. Allele origin: unknown. Affected: yes.
Comment: Criteria applied: PM2_MOD, PM4, PP4

NM_005660.3(SLC35A2):c.662AGA[1] (p.Lys222del)

Gene: SLC35A2 (solute carrier family 35 member A2; minus strand). Cytogenetic location: Xp11.23.
Variant type: Microsatellite.
Coding change: c.662AGA[1] on transcript NM_005660.3 (MANE Select); one copy of the 3-base unit AGA starting at c.662; the reference has two copies in a row; one copy, 3 bases deleted; also written c.665_667del.
Protein change: p.Lys222del; deletes lysine 222.
Molecular consequence: intron variant (on NM_001282647.2).
Genome position (GRCh38, 1-based): chrX:48,905,242-48,905,244, TCT deleted on the plus strand (AGA on the coding strand, the reverse complement: SLC35A2 is on the minus strand); deleting any 3 consecutive bases within chrX:48,905,242-48,905,247 gives the same sequence; the position shown is the placement nearest the transcript's 3' end. VCF-style (leftmost placement, unchanged base first): chrX-48905241-ATCT-A. GRCh37 (hg19) VCF-style: chrX-48762518-ATCT-A.
Other names: c.665_667del (NM_005660.3); c.662AGA[1], p.Lys222del (NM_001042498.3); c.479AGA[1], p.Lys161del (NM_001282649.2); c.701AGA[1], p.Lys235del (NM_001282650.2); c.746AGA[1], p.Lys250del (NM_001282651.2); c.427-352_427-350del (NM_001282647.2, NM_001032289.3); c.355-352_355-350del (NM_001282648.2); short protein forms K161del, K222del, K235del, K250del.
Identifiers: ClinVar variation 3358990 (VCV003358990.2).
Genomic context (GRCh38, chrX:48,905,241, plus strand): 5'-GTGCCGAAGAGGCCCAGTTGCAGGTTGCGCAGCCACACGGAGCCTGAGCTGCCTTTGAGG[ATCT>A]TCTCAAAGTAGACACCTGCGAAGCCGGAGGAGAGACAGGAGGCCACGACGGCTGCCAGGC-3'